The following is an entry in ClinVar:

NM_198428.3(BBS9):c.1999_2003del (p.Ser667fs)

Gene: BBS9 (Bardet-Biedl syndrome 9; plus strand). Cytogenetic location: 7p14.3.
Variant type: Deletion.
Coding change: c.1999_2003del on transcript NM_198428.3 (MANE Select); coding-DNA positions 1999 to 2003, 5 bases deleted (TCTGA; older notation c.1999_2003delTCTGA).
Protein change: p.Ser667fs; shifts the reading frame from serine 667.
Molecular consequence: frameshift variant. On other transcripts: non-coding transcript variant (3).
Genome position (GRCh38, 1-based): chr7:33,388,028-33,388,032, TCTGA deleted; deleting any 5 consecutive bases within chr7:33,388,027-33,388,032 gives the same sequence; the c. name uses the placement nearest the transcript's 3' end. VCF-style (leftmost placement, unchanged base first): chr7-33388026-TATCTG-T. GRCh37 (hg19) VCF-style: chr7-33427638-TATCTG-T.
Other names: c.1894_1898del, p.Ser632fs (NM_001033604.2); c.1984_1988del, p.Ser662fs (NM_001033605.2); c.1999_2003del, p.Ser667fs (NM_001348036.1, NM_001348041.4, NM_001362679.1 and 1 more transcripts); c.1633_1637del, p.Ser545fs (NM_001348037.3, NM_001348045.3, NM_001348046.3); c.1726_1730del, p.Ser576fs (NM_001348038.3); c.1621_1625del, p.Ser541fs (NM_001348039.3); c.1879_1883del, p.Ser627fs (NM_001348040.3, NM_014451.4); c.1864_1868del, p.Ser622fs (NM_001348042.3); and 2 more; short protein forms S632fs, S541fs, S545fs, S667fs, S510fs, S576fs, S622fs, S627fs.
Identifiers: ClinVar variation 2837775 (VCV002837775.3), dbSNP rs2536369054, ClinGen allele CA2739266393.

ClinVar aggregate classification (germline): Pathogenic (1 of 4 stars; one submission).

Conditions:
Bardet-Biedl syndrome (BBS). Identifiers: Orphanet 110, MedGen C0752166, MONDO:0015229.

Submission:

Labcorp Genetics (formerly Invitae), Labcorp
Classification: Pathogenic for Bardet-Biedl syndrome. Last evaluated: 2023-02-16. Review status: criteria provided, single submitter. Criteria: Invitae Variant Classification Sherloc (09022015). Collection method: clinical testing. Allele origin: germline.
Comment: This variant has not been reported in the literature in individuals affected with BBS9-related conditions. This variant is not present in population databases (gnomAD no frequency). This sequence change creates a premature translational stop signal (p.Ser667Glufs*19) in the BBS9 gene. It is expected to result in an absent or disrupted protein product. Loss-of-function variants in BBS9 are known to be pathogenic (PMID: 16380913, 20177705). For these reasons, this variant has been classified as Pathogenic.

Literature cited by the submitters: PubMed 16380913; PubMed 20177705.